The following is an entry in ClinVar:

ClinVar aggregate classification (germline): Uncertain significance (1 of 4 stars; one submission).

Conditions:
Glycine encephalopathy. Also called: Non-ketotic hyperglycinemia; Nonketotic hyperglycinemia. Identifiers: Orphanet 407, MedGen C0751748, MONDO:0011612, HP:0008288.

Allele frequency attached by ClinVar (database versions not stated): TOPMed below 0.00001.

Submission:

Labcorp Genetics (formerly Invitae), Labcorp
Classification: Uncertain significance for Glycine encephalopathy. Last evaluated: 2022-08-10. Review status: criteria provided, single submitter. Criteria: Invitae Variant Classification Sherloc (09022015). Collection method: clinical testing. Allele origin: germline.
Comment: This sequence change replaces alanine, which is neutral and non-polar, with threonine, which is neutral and polar, at codon 355 of the GLDC protein (p.Ala355Thr). This variant is not present in population databases (gnomAD no frequency). This variant has not been reported in the literature in individuals affected with GLDC-related conditions. ClinVar contains an entry for this variant (Variation ID: 1446598). Advanced modeling of protein sequence and biophysical properties (such as structural, functional, and spatial information, amino acid conservation, physicochemical variation, residue mobility, and thermodynamic stability) performed at Invitae indicates that this missense variant is not expected to disrupt GLDC protein function. In summary, the available evidence is currently insufficient to determine the role of this variant in disease. Therefore, it has been classified as a Variant of Uncertain Significance.

NM_000170.3(GLDC):c.1063G>A (p.Ala355Thr)

Gene: GLDC (glycine decarboxylase; minus strand). Cytogenetic location: 9p24.1.
Variant type: single nucleotide variant.
Coding change: c.1063G>A on transcript NM_000170.3 (MANE Select); coding-DNA position 1063, G replaced by A.
Protein change: p.Ala355Thr; replaces alanine 355 with threonine.
Molecular consequence: missense variant.
Genome position (GRCh38, 1-based): chr9:6,602,201, C>T on the plus strand (G>A on the coding strand, the complement: GLDC is on the minus strand). VCF-style: chr9-6602201-C-T. GRCh37 (hg19) VCF-style: chr9-6602201-C-T.
Other names: short protein forms A355T.
Identifiers: ClinVar variation 1446598 (VCV001446598.5), dbSNP rs1291866387, ClinGen allele CA372894733.
Genomic context (GRCh38, chr9:6,602,201, plus strand): 5'-CTCTCCGAATGTGTTGCTCCCTGGTTTGAAGAGCAAGACGATACACTTCTTTCCCAGTGG[C>T]ATCTCTACACCAAGAATAAGGCATCCAGTTAGCACAGATAATCACAGCACTGGGAGATGC-3'
Protein context (NP_000161.2, residues 345-365): PGRMVGVTRD[Ala355Thr]TGKEVYRLAL